The following is an entry in ClinVar:

ClinVar aggregate classification (germline): Pathogenic (1 of 4 stars; one submission).

Conditions:
Familial adenomatous polyposis 4 (FAP4). Also called: MSH3-related attenuated familial adenomatous polyposis. Identifiers: Orphanet 480536, MedGen C4310719, MONDO:0044300, OMIM 617100.

Submission:

Myriad Genetics, Inc.
Classification: Pathogenic for Familial adenomatous polyposis 4. Last evaluated: 2026-09-01. Review status: criteria provided, single submitter. Criteria: Myriad Autosomal Dominant, Autosomal Recessive and X-Linked Classification Criteria (2023). Collection method: clinical testing. Allele origin: unknown.
Comment: This variant is considered pathogenic. This variant creates a termination codon and is predicted to result in premature protein truncation.

NM_002439.5(MSH3):c.1615G>T (p.Gly539Ter)

Gene: MSH3 (mutS homolog 3; plus strand). Cytogenetic location: 5q14.1.
Variant type: single nucleotide variant.
Coding change: c.1615G>T on transcript NM_002439.5 (MANE Select); coding-DNA position 1615, G replaced by T.
Protein change: p.Gly539Ter; replaces glycine 539 with a stop codon.
Molecular consequence: nonsense.
Genome position (GRCh38, 1-based): chr5:80,741,510, G>T. VCF-style: chr5-80741510-G-T. GRCh37 (hg19) VCF-style: chr5-80037329-G-T.
Other names: short protein forms G539*.
Identifiers: ClinVar variation 5042433 (VCV005042433.1).